The following is an entry in ClinVar:

ClinVar aggregate classification (germline): Uncertain significance (1 of 4 stars; one submission).

Allele frequency attached by ClinVar (database versions not stated): TOPMed below 0.00001; gnomAD 0.00001.
gnomAD v4.1: 1 of 1,613,946 alleles (0.000062%); highest among the groups gnomAD compares: Admixed American, 0.0017%; no homozygotes.

Submission:

Labcorp Genetics (formerly Invitae), Labcorp
Classification: Uncertain significance. Last evaluated: 2022-07-05. Review status: criteria provided, single submitter. Criteria: Invitae Variant Classification Sherloc (09022015). Collection method: clinical testing. Allele origin: germline.
Comment: This sequence change replaces leucine, which is neutral and non-polar, with phenylalanine, which is neutral and non-polar, at codon 236 of the PIGL protein (p.Leu236Phe). This variant is not present in population databases (gnomAD no frequency). This variant has not been reported in the literature in individuals affected with PIGL-related conditions. Algorithms developed to predict the effect of missense changes on protein structure and function are either unavailable or do not agree on the potential impact of this missense change (SIFT: "Tolerated"; PolyPhen-2: "Possibly Damaging"; Align-GVGD: "Class C0"). In summary, the available evidence is currently insufficient to determine the role of this variant in disease. Therefore, it has been classified as a Variant of Uncertain Significance.

NM_004278.4(PIGL):c.706C>T (p.Leu236Phe)

Gene: PIGL (phosphatidylinositol glycan anchor biosynthesis class L; plus strand). Cytogenetic location: 17p11.2.
Variant type: single nucleotide variant.
Coding change: c.706C>T on transcript NM_004278.4 (MANE Select); coding-DNA position 706, C replaced by T.
Protein change: p.Leu236Phe; replaces leucine 236 with phenylalanine.
Molecular consequence: missense variant.
Genome position (GRCh38, 1-based): chr17:16,325,845, C>T. VCF-style: chr17-16325845-C-T. GRCh37 (hg19) VCF-style: chr17-16229159-C-T.
Other names: c.674C>T, p.Pro225Leu (NM_001411072.1); short protein forms L236F, P225L.
Identifiers: ClinVar variation 2072616 (VCV002072616.1), dbSNP rs2093125303, ClinGen allele CA398480927.